The following is an entry in ClinVar:

NM_173630.4(RTTN):c.4234G>A (p.Gly1412Ser)

Gene: RTTN (rotatin; minus strand). Cytogenetic location: 18q22.2.
Variant type: single nucleotide variant.
Coding change: c.4234G>A on transcript NM_173630.4 (MANE Select); coding-DNA position 4234, G replaced by A.
Protein change: p.Gly1412Ser; replaces glycine 1412 with serine.
Molecular consequence: missense variant.
Genome position (GRCh38, 1-based): chr18:70,088,057, C>T on the plus strand (G>A on the coding strand, the complement: RTTN is on the minus strand). VCF-style: chr18-70088057-C-T. GRCh37 (hg19) VCF-style: chr18-67755293-C-T.
Other names: c.1498G>A, p.Gly500Ser (NM_001318520.2); short protein forms G1412S, G500S.
Identifiers: ClinVar variation 808408 (VCV000808408.47), dbSNP rs370765246, ClinGen allele CA8995348.

ClinVar aggregate classification (germline): Uncertain significance. Review status: criteria provided, multiple submitters, no conflicts (2 of 4 stars). 3 submissions from 3 submitters: Uncertain significance (3). Last evaluated 2022-05-31.

Allele frequency attached by ClinVar (database versions not stated): ExAC 0.00005; gnomAD 0.00006; ESP Exome Variant Server 0.00008; TOPMed 0.00010.
gnomAD v4.1: 59 of 1,613,802 alleles (0.0037%); highest among the groups gnomAD compares: African/African-American, 0.021%; no homozygotes.

Submissions (3):

Labcorp Genetics (formerly Invitae), Labcorp
Classification: Uncertain significance. Last evaluated: 2022-05-31. Review status: criteria provided, single submitter. Criteria: Invitae Variant Classification Sherloc (09022015). Collection method: clinical testing. Allele origin: germline.
Comment: This sequence change replaces glycine, which is neutral and non-polar, with serine, which is neutral and polar, at codon 1412 of the RTTN protein (p.Gly1412Ser). This variant is present in population databases (rs370765246, gnomAD 0.02%). This variant has not been reported in the literature in individuals affected with RTTN-related conditions. ClinVar contains an entry for this variant (Variation ID: 808408). Algorithms developed to predict the effect of missense changes on protein structure and function (SIFT, PolyPhen-2, Align-GVGD) all suggest that this variant is likely to be disruptive. In summary, the available evidence is currently insufficient to determine the role of this variant in disease. Therefore, it has been classified as a Variant of Uncertain Significance.

GeneDx
Classification: Uncertain significance. Last evaluated: 2021-09-23. Review status: criteria provided, single submitter. Criteria: GeneDx Variant Classification Process June 2021. Collection method: clinical testing. Allele origin: germline. Affected: yes.
Comment: In silico analysis supports that this missense variant has a deleterious effect on protein structure/function; Has not been previously published as pathogenic or benign to our knowledge

CeGaT Center for Human Genetics Tuebingen
Classification: Uncertain significance. Last evaluated: 2016-04-01. Review status: criteria provided, single submitter. Criteria: CeGaT Center For Human Genetics Tuebingen Variant Classification Criteria Version 2. Collection method: clinical testing. Allele origin: germline. Affected: yes. Observed: 1 variant allele.